The following is an entry in ClinVar:

NM_002972.4(SBF1):c.3724G>A (p.Glu1242Lys)

Gene: SBF1 (SET binding factor 1; minus strand). Cytogenetic location: 22q13.33.
Variant type: single nucleotide variant.
Coding change: c.3724G>A on transcript NM_002972.4 (MANE Select); coding-DNA position 3724, G replaced by A.
Protein change: p.Glu1242Lys; replaces glutamic acid 1242 with lysine.
Molecular consequence: missense variant.
Genome position (GRCh38, 1-based): chr22:50,459,357, C>T on the plus strand (G>A on the coding strand, the complement: SBF1 is on the minus strand). VCF-style: chr22-50459357-C-T. GRCh37 (hg19) VCF-style: chr22-50897786-C-T.
Other names: c.3727G>A, p.Glu1243Lys (NM_001365819.1, NM_001410794.1); c.3724G>A, p.Glu1242Lys (NM_001410795.1); short protein forms E1242K, E1243K.
Identifiers: ClinVar variation 4980513 (VCV004980513.1).

ClinVar aggregate classification (germline): Uncertain significance (1 of 4 stars; one submission).

Conditions:
SBF1-related disorder. Also called: SBF1-related condition.

gnomAD v4.1: 12 of 1,612,704 alleles (0.00074%); highest among the groups gnomAD compares: Admixed American, 0.02%; no homozygotes.

Submission:

PreventionGenetics, part of Exact Sciences
Classification: Uncertain significance for SBF1-related condition. Last evaluated: 2025-09-20. Review status: criteria provided, single submitter. Criteria: ACMG Guidelines, 2015. Collection method: clinical testing. Allele origin: germline.
Comment: The SBF1 c.3724G>A variant is predicted to result in the amino acid substitution p.Glu1242Lys. To our knowledge, this variant has not been reported in the literature. This variant is reported in 0.026% of alleles in individuals of Latino descent in gnomAD. At this time, the clinical significance of this variant is uncertain due to the absence of conclusive functional and genetic evidence.